The following is an entry in ClinVar:

ClinVar aggregate classification (germline): Uncertain significance. Review status: criteria provided, multiple submitters, no conflicts (2 of 4 stars). 3 submissions from 3 submitters: Uncertain significance (3). Last evaluated 2025-04-16.

Conditions:
Hereditary cancer-predisposing syndrome. Also called: Hereditary neoplastic syndrome; Hereditary Cancer Syndrome; Tumor predisposition; Neoplastic Syndromes, Hereditary. Identifiers: Orphanet 140162, MedGen C0027672, MeSH D009386, MONDO:0015356.
Hereditary pheochromocytoma and paraganglioma. Also called: Hereditary pheochromocytoma-paraganglioma; Hereditary Paraganglioma-Pheochromocytoma Syndromes; Hereditary paragangliomas and pheochromocytomas. Identifiers: Orphanet 29072, MedGen C4274332, MONDO:0017366.

Allele frequency attached by ClinVar (database versions not stated): TOPMed below 0.00001; gnomAD 0.00001.
gnomAD v4.1: 2 of 1,613,960 alleles (0.00012%); highest among the groups gnomAD compares: African/African-American, 0.0027%; no homozygotes.

Submissions (3):

GeneDx
Classification: Uncertain significance. Last evaluated: 2025-04-16. Review status: criteria provided, single submitter. Criteria: GeneDx Variant Classification Process June 2021. Collection method: clinical testing. Allele origin: germline. Affected: yes.
Comment: Not observed at significant frequency in large population cohorts (gnomAD); In silico analysis supports that this missense variant has a deleterious effect on protein structure/function; Has not been previously published as pathogenic or benign to our knowledge

Labcorp Genetics (formerly Invitae), Labcorp
Classification: Uncertain significance for Hereditary pheochromocytoma and paraganglioma. Last evaluated: 2025-02-02. Review status: criteria provided, single submitter. Criteria: Invitae Variant Classification Sherloc (09022015). Collection method: clinical testing. Allele origin: germline.
Comment: This sequence change replaces tyrosine, which is neutral and polar, with cysteine, which is neutral and slightly polar, at codon 72 of the SDHAF2 protein (p.Tyr72Cys). This variant is not present in population databases (gnomAD no frequency). This variant has not been reported in the literature in individuals affected with SDHAF2-related conditions. ClinVar contains an entry for this variant (Variation ID: 952336). An algorithm developed to predict the effect of missense changes on protein structure and function (PolyPhen-2) suggests that this variant is likely to be disruptive. In summary, the available evidence is currently insufficient to determine the role of this variant in disease. Therefore, it has been classified as a Variant of Uncertain Significance.

Ambry Genetics
Classification: Uncertain significance for Hereditary cancer-predisposing syndrome. Last evaluated: 2024-07-08. Review status: criteria provided, single submitter. Criteria: Ambry Variant Classification Scheme 2023. Collection method: clinical testing. Allele origin: germline.
Comment: The p.Y72C variant (also known as c.215A>G), located in coding exon 2 of the SDHAF2 gene, results from an A to G substitution at nucleotide position 215. The tyrosine at codon 72 is replaced by cysteine, an amino acid with highly dissimilar properties. This amino acid position is conserved. In addition, this alteration is predicted to be deleterious by in silico analysis. Based on the available evidence, the clinical significance of this variant remains unclear.

NM_017841.4(SDHAF2):c.215A>G (p.Tyr72Cys)

Gene: SDHAF2 (succinate dehydrogenase complex assembly factor 2; plus strand). Cytogenetic location: 11q12.2.
Variant type: single nucleotide variant.
Coding change: c.215A>G on transcript NM_017841.4 (MANE Select); coding-DNA position 215, A replaced by G.
Protein change: p.Tyr72Cys; replaces tyrosine 72 with cysteine.
Molecular consequence: missense variant.
Genome position (GRCh38, 1-based): chr11:61,437,803, A>G. VCF-style: chr11-61437803-A-G. GRCh37 (hg19) VCF-style: chr11-61205275-A-G.
Other names: short protein forms Y72C.
Identifiers: ClinVar variation 952336 (VCV000952336.10), dbSNP rs1440188833, ClinGen allele CA380683677.